The following is an entry in ClinVar:

NM_000540.3(RYR1):c.12507C>T (p.Ile4169=)

Gene: RYR1 (ryanodine receptor 1; plus strand). Cytogenetic location: 19q13.2.
Variant type: single nucleotide variant.
Coding change: c.12507C>T on transcript NM_000540.3 (MANE Select); coding-DNA position 12507, C replaced by T.
Protein change: p.Ile4169=; no amino-acid change (isoleucine 4169 retained).
Molecular consequence: synonymous variant.
Genome position (GRCh38, 1-based): chr19:38,561,337, C>T. VCF-style: chr19-38561337-C-T. GRCh37 (hg19) VCF-style: chr19-39051977-C-T.
Other names: c.12492C>T, p.Ile4164= (NM_001042723.2).
Identifiers: ClinVar variation 544488 (VCV000544488.13), dbSNP rs747307874, ClinGen allele CA059034.

ClinVar aggregate classification (germline): Likely benign. Review status: criteria provided, multiple submitters, no conflicts (2 of 4 stars). 4 submissions from 4 submitters: Likely benign (4). Last evaluated 2025-06-25.

Conditions:
RYR1-related disorder. Also called: RYR1-related condition; RYR1-related disorders. Identifiers: MedGen CN239331.
Malignant hyperthermia, susceptibility to, 1 (MHS1). Also called: RYR1-Related Malignant Hyperthermia Susceptibility; Malignant hyperthermia suceptibility 1; Anesthesia related hyperthermia; Malignant hyperpyrexia; Fulminating hyperpyrexia; Pharmacogenic myopathy. Identifiers: Orphanet 423, MedGen C2930980, MONDO:0007783, OMIM 145600.

Allele frequency attached by ClinVar (database versions not stated): gnomAD exomes below 0.00001 and 0.00001; ExAC 0.00001; gnomAD 0.00001; TOPMed 0.00001.
gnomAD v4.1: 4 of 1,613,912 alleles (0.00025%); highest among the groups gnomAD compares: Admixed American, 0.0017%; no homozygotes.

Submissions (4):

Labcorp Genetics (formerly Invitae), Labcorp
Classification: Likely benign for RYR1-related disorder. Last evaluated: 2025-06-25. Review status: criteria provided, single submitter. Criteria: Invitae Variant Classification Sherloc (09022015). Collection method: clinical testing. Allele origin: germline.

All of Us Research Program, National Institutes of Health
Classification: Likely benign for Malignant hyperthermia, susceptibility to, 1. Last evaluated: 2023-05-04. Review status: criteria provided, single submitter. Criteria: ACMG Guidelines, 2015. Collection method: clinical testing. Allele origin: germline. Inheritance: Autosomal dominant inheritance. Observed: 1 variant allele, 1 heterozygote.
Comment: This study involves interpretation of variants in research participants for the purpose of population health screening. Participant phenotype was not available at the time of variant classification. Additional details can be found in publication PMID: 35346344, PMCID: PMC8962531

Color Diagnostics, LLC DBA Color Health
Classification: Likely benign for Malignant hyperthermia, susceptibility to, 1. Last evaluated: 2022-11-06. Review status: criteria provided, single submitter. Criteria: ACMG Guidelines, 2015. Collection method: clinical testing. Allele origin: germline.

Blueprint Genetics
Classification: Likely benign. Last evaluated: 2021-03-12. Review status: criteria provided, single submitter. Criteria: ACMG Guidelines, 2015. Collection method: clinical testing. Allele origin: germline.